The following is an entry in ClinVar:

ClinVar aggregate classification (germline): Uncertain significance (1 of 4 stars; one submission).

Submission:

GeneDx
Classification: Uncertain significance. Last evaluated: 2023-10-27. Review status: criteria provided, single submitter. Criteria: GeneDx Variant Classification Process June 2021. Collection method: clinical testing. Allele origin: germline. Affected: yes.
Comment: Not observed at significant frequency in large population cohorts (gnomAD); In silico analysis supports that this missense variant has a deleterious effect on protein structure/function; Has not been previously published as pathogenic or benign to our knowledge

NM_001382241.1(TNPO2):c.717G>C (p.Met239Ile)

Gene: TNPO2 (transportin 2; minus strand). Cytogenetic location: 19p13.13.
Variant type: single nucleotide variant.
Coding change: c.717G>C on transcript NM_001382241.1 (MANE Select); coding-DNA position 717, G replaced by C.
Protein change: p.Met239Ile; replaces methionine 239 with isoleucine.
Molecular consequence: missense variant. On other transcripts: non-coding transcript variant (6).
Genome position (GRCh38, 1-based): chr19:12,715,101, C>G on the plus strand (G>C on the coding strand, the complement: TNPO2 is on the minus strand). VCF-style: chr19-12715101-C-G. GRCh37 (hg19) VCF-style: chr19-12825915-C-G.
Other names: c.717G>C, p.Met239Ile (NM_001136195.2, NM_001136196.2, NM_001382236.1 and 7 more transcripts); short protein forms M239I.
Identifiers: ClinVar variation 3363430 (VCV003363430.1).